The following is an entry in ClinVar:

NM_138694.4(PKHD1):c.3107G>A (p.Trp1036Ter)

Gene: PKHD1 (PKHD1 ciliary IPT domain containing fibrocystin/polyductin; minus strand). Cytogenetic location: 6p12.2.
Variant type: single nucleotide variant.
Coding change: c.3107G>A on transcript NM_138694.4 (MANE Select); coding-DNA position 3107, G replaced by A.
Protein change: p.Trp1036Ter; replaces tryptophan 1036 with a stop codon.
Molecular consequence: nonsense.
Genome position (GRCh38, 1-based): chr6:52,035,712, C>T on the plus strand (G>A on the coding strand, the complement: PKHD1 is on the minus strand). VCF-style: chr6-52035712-C-T. GRCh37 (hg19) VCF-style: chr6-51900510-C-T.
Other names: c.3107G>A, p.Trp1036Ter (NM_170724.3); short protein forms W1036*.
Identifiers: ClinVar variation 4816626 (VCV004816626.1).

ClinVar aggregate classification (germline): Likely pathogenic (1 of 4 stars; one submission).

Conditions:
Autosomal recessive polycystic kidney disease (ARPKD). Also called: AR polycystic kidney disease. Identifiers: Orphanet 731, Orphanet 8378, MedGen C0085548, MeSH D017044, MONDO:0009889.

Submission:

Natera, Inc.
Classification: Likely pathogenic for Autosomal recessive polycystic kidney disease. Last evaluated: 2024-06-06. Review status: criteria provided, single submitter. Criteria: Natera Variant Classification Schema (03/2026). Collection method: clinical testing. Allele origin: germline.
Comment: The c.3107G>A variant in PKHD1 is a nonsense variant predicted to introduce a stop codon at amino acid 1036. This variant is expected to result in nonsense mediated decay, truncation, or a dysfunctional protein product. This variant is rare in the general population with a frequency below the threshold expected for the associated phenotype(s). Given the available evidence, this variant is classified as Likely Pathogenic.